The following is an entry in ClinVar:

NM_001130438.3(SPTAN1):c.3910C>T (p.Pro1304Ser)

Gene: SPTAN1 (spectrin alpha, non-erythrocytic 1; plus strand). Cytogenetic location: 9q34.11.
Variant type: single nucleotide variant.
Coding change: c.3910C>T on transcript NM_001130438.3 (MANE Select); coding-DNA position 3910, C replaced by T.
Protein change: p.Pro1304Ser; replaces proline 1304 with serine.
Molecular consequence: missense variant.
Genome position (GRCh38, 1-based): chr9:128,605,341, C>T. VCF-style: chr9-128605341-C-T. GRCh37 (hg19) VCF-style: chr9-131367620-C-T.
Other names: c.3850C>T, p.Pro1284Ser (NM_001363765.2, NM_001375314.2, NM_001195532.2); c.3910C>T, p.Pro1304Ser (NM_001375310.1, NM_001375311.2, NM_001375313.1 and 2 more transcripts); c.3946C>T, p.Pro1316Ser (NM_001375312.2, NM_001375318.1); short protein forms P1284S, P1304S, P1316S.
Identifiers: ClinVar variation 2659544 (VCV002659544.24), dbSNP rs764069090, ClinGen allele CA375065156.
Genomic context (GRCh38, chr9:128,605,341, plus strand): 5'-ACTTTCTTCCCATAGGTAAACTCCCTTGGTGAAACAGCAGAGCGCCTGATCCAGTCCCAT[C>T]CCGAGTCAGCAGAAGACCTGCAGGAAAAGTGCACAGAGTTAAACCAGGCCTGGAGCAGCC-3'
Protein context (NP_001123910.1, residues 1294-1314): ETAERLIQSH[Pro1304Ser]ESAEDLQEKC

ClinVar aggregate classification (germline): Uncertain significance (1 of 4 stars; one submission).

Submission:

CeGaT Center for Human Genetics Tuebingen
Classification: Uncertain significance. Last evaluated: 2022-03-01. Review status: criteria provided, single submitter. Criteria: CeGaT Center For Human Genetics Tuebingen Variant Classification Criteria Version 2. Collection method: clinical testing. Allele origin: germline. Affected: yes. Observed: 1 variant allele.
Comment: SPTAN1: PM2, PP2, PP3